The following is an entry in ClinVar:

ClinVar aggregate classification (germline): Benign. Review status: criteria provided, multiple submitters, no conflicts (2 of 4 stars). 4 submissions from 4 submitters: Benign (4). Last evaluated 2026-02-04.

Allele frequency attached by ClinVar (database versions not stated): ESP Exome Variant Server 0.04344; gnomAD 0.05708 and 0.06292; gnomAD exomes 0.06374; TOPMed 0.06660; 1000 Genomes Project 30x 0.11899; 1000 Genomes Project 0.12220.
gnomAD v4.1: 101,002 of 1,584,110 alleles (6.4%); highest among the groups gnomAD compares: East Asian, 25%; 4,802 homozygotes.

Submissions (19):

Labcorp Genetics (formerly Invitae), Labcorp
Classification: Benign. Last evaluated: 2026-02-04. Review status: criteria provided, single submitter. Criteria: Invitae Variant Classification Sherloc (09022015). Collection method: clinical testing. Allele origin: germline.

Blueprint Genetics
Classification: Benign. Last evaluated: 2024-11-27. Review status: criteria provided, single submitter. Criteria: ACMG Guidelines, 2015. Collection method: clinical testing. Allele origin: germline.

GeneDx
Classification: Benign. Last evaluated: 2016-04-06. Review status: criteria provided, single submitter. Criteria: GeneDx Variant Classification (06012015). Collection method: clinical testing. Allele origin: germline. Affected: yes.
Comment: This variant is considered likely benign or benign based on one or more of the following criteria: it is a conservative change, it occurs at a poorly conserved position in the protein, it is predicted to be benign by multiple in silico algorithms, and/or has population frequency not consistent with disease.

Breakthrough Genomics
Classification: Benign. Review status: criteria provided, single submitter. Criteria: ACMG Guidelines, 2015. Collection method: not provided. Allele origin: germline. Inheritance: Autosomal recessive inheritance. Affected: yes.

Dr. Peter K. Rogan Lab, Western University
No classification provided (evidence only). Condition: Acute myeloid leukemia. Review status: no classification provided. Collection method: in vitro. Allele origin: not applicable. Functional consequence: retained intron. Not counted in ClinVar's aggregate classification.

Dr. Peter K. Rogan Lab, Western University
No classification provided (evidence only). Condition: Colon adenocarcinoma. Review status: no classification provided. Collection method: in vitro. Allele origin: not applicable. Functional consequence: retained intron. Not counted in ClinVar's aggregate classification.

Dr. Peter K. Rogan Lab, Western University
No classification provided (evidence only). Condition: Colon adenocarcinoma. Review status: no classification provided. Collection method: in vitro. Allele origin: not applicable. Functional consequence: skipped exon. Not counted in ClinVar's aggregate classification.

Dr. Peter K. Rogan Lab, Western University
No classification provided (evidence only). Condition: Colon adenocarcinoma. Review status: no classification provided. Collection method: in vitro. Allele origin: not applicable. Functional consequence: skipped exon. Not counted in ClinVar's aggregate classification.

Dr. Peter K. Rogan Lab, Western University
No classification provided (evidence only). Condition: Colon adenocarcinoma. Review status: no classification provided. Collection method: in vitro. Allele origin: not applicable. Functional consequence: skipped exon. Not counted in ClinVar's aggregate classification.

Dr. Peter K. Rogan Lab, Western University
No classification provided (evidence only). Condition: Colorectal cancer. Review status: no classification provided. Collection method: in vitro. Allele origin: not applicable. Functional consequence: retained intron. Not counted in ClinVar's aggregate classification.

Dr. Peter K. Rogan Lab, Western University
No classification provided (evidence only). Condition: Malignant lymphoma, large B-cell, diffuse. Review status: no classification provided. Collection method: in vitro. Allele origin: not applicable. Functional consequence: retained intron. Not counted in ClinVar's aggregate classification.

Dr. Peter K. Rogan Lab, Western University
No classification provided (evidence only). Condition: Malignant lymphoma, large B-cell, diffuse. Review status: no classification provided. Collection method: in vitro. Allele origin: not applicable. Functional consequence: retained intron. Not counted in ClinVar's aggregate classification.

Dr. Peter K. Rogan Lab, Western University
No classification provided (evidence only). Condition: Malignant lymphoma, large B-cell, diffuse. Review status: no classification provided. Collection method: in vitro. Allele origin: not applicable. Functional consequence: retained intron. Not counted in ClinVar's aggregate classification.

Dr. Peter K. Rogan Lab, Western University
No classification provided (evidence only). Condition: Thymoma. Review status: no classification provided. Collection method: in vitro. Allele origin: not applicable. Functional consequence: skipped exon. Not counted in ClinVar's aggregate classification.

Dr. Peter K. Rogan Lab, Western University
No classification provided (evidence only). Condition: Thymoma. Review status: no classification provided. Collection method: in vitro. Allele origin: not applicable. Functional consequence: retained intron. Not counted in ClinVar's aggregate classification.

Dr. Peter K. Rogan Lab, Western University
No classification provided (evidence only). Condition: Thymoma. Review status: no classification provided. Collection method: in vitro. Allele origin: not applicable. Functional consequence: retained intron. Not counted in ClinVar's aggregate classification.

Dr. Peter K. Rogan Lab, Western University
No classification provided (evidence only). Condition: Cholangiocarcinoma. Review status: no classification provided. Collection method: in vitro. Allele origin: not applicable. Functional consequence: retained intron. Not counted in ClinVar's aggregate classification.

Dr. Peter K. Rogan Lab, Western University
No classification provided (evidence only). Condition: Cholangiocarcinoma. Review status: no classification provided. Collection method: in vitro. Allele origin: not applicable. Functional consequence: retained intron. Not counted in ClinVar's aggregate classification.

Dr. Peter K. Rogan Lab, Western University
No classification provided (evidence only). Condition: Uveal melanoma. Review status: no classification provided. Collection method: in vitro. Allele origin: not applicable. Functional consequence: retained intron. Not counted in ClinVar's aggregate classification.

NM_001128159.3(VPS53):c.1124T>G (p.Leu375Arg)

Genes: VPS53 (VPS53 subunit of GARP complex; minus strand), LOC126862457 (BRD4-independent group 4 enhancer GRCh37_chr17:504328-505527; plus strand). Cytogenetic location: 17p13.3.
Variant type: single nucleotide variant.
Coding change: c.1124T>G on transcript NM_001128159.3 (MANE Select); coding-DNA position 1124, T replaced by G.
Protein change: p.Leu375Arg; replaces leucine 375 with arginine.
Molecular consequence: missense variant.
Genome position (GRCh38, 1-based): chr17:601,889, A>C on the plus strand (T>G on the coding strand, the complement: VPS53 is on the minus strand). VCF-style: chr17-601889-A-C. GRCh37 (hg19) VCF-style: chr17-505129-A-C.
Other names: c.1124T>G, p.Leu375Arg (NM_001366253.2); c.530T>G, p.Leu177Arg (NM_001366254.2); c.1037T>G, p.Leu346Arg (NM_018289.4); short protein forms L375R, L177R, L346R.
Identifiers: ClinVar variation 380925 (VCV000380925.12), dbSNP rs61644407, ClinGen allele CA8261532.